The following is an entry in ClinVar:

NM_001256447.2(BCAP31):c.637C>T (p.Arg213Trp)

Gene: BCAP31 (B cell receptor associated protein 31; minus strand). Cytogenetic location: Xq28.
Variant type: single nucleotide variant.
Coding change: c.637C>T on transcript NM_001256447.2 (MANE Select); coding-DNA position 637, C replaced by T.
Protein change: p.Arg213Trp; replaces arginine 213 with tryptophan.
Molecular consequence: missense variant.
Genome position (GRCh38, 1-based): chrX:153,702,072, G>A on the plus strand (C>T on the coding strand, the complement: BCAP31 is on the minus strand). VCF-style: chrX-153702072-G-A. GRCh37 (hg19) VCF-style: chrX-152967527-G-A.
Other names: c.637C>T, p.Arg213Trp (NM_001139441.1, NM_005745.8); c.838C>T, p.Arg280Trp (NM_001139457.2); short protein forms R280W, R213W.
Identifiers: ClinVar variation 2994994 (VCV002994994.3), dbSNP rs372317882, ClinGen allele CA10549720.
Genomic context (GRCh38, chrX:153,702,072, plus strand): 5'-GCTTTGCGTGCTCCTCCAGCAAGCGGTCGTACTCCTTGGTGAGGCCCTCAGACTGCTTCC[G>A]CATGGCCAGAACCTGGTTTTCAGCTTTCTCTAGTTCTTGAAATGATGTAAATGACCAAGA-3'
Protein context (NP_001243376.1, residues 203-223): EKAENQVLAM[Arg213Trp]KQSEGLTKEY

ClinVar aggregate classification (germline): Uncertain significance (1 of 4 stars; one submission).

Allele frequency attached by ClinVar (database versions not stated): ExAC 0.00001; TOPMed 0.00002; ESP Exome Variant Server 0.00009.
gnomAD v4.1: 15 of 1,209,119 alleles (0.0012%); highest among the groups gnomAD compares: Middle Eastern, 0.023%; no homozygotes.

Submission:

Labcorp Genetics (formerly Invitae), Labcorp
Classification: Uncertain significance. Last evaluated: 2024-08-16. Review status: criteria provided, single submitter. Criteria: Invitae Variant Classification Sherloc (09022015). Collection method: clinical testing. Allele origin: germline.
Comment: This sequence change replaces arginine, which is basic and polar, with tryptophan, which is neutral and slightly polar, at codon 213 of the BCAP31 protein (p.Arg213Trp). This variant is present in population databases (rs372317882, gnomAD 0.02%). This variant has not been reported in the literature in individuals affected with BCAP31-related conditions. An algorithm developed to predict the effect of missense changes on protein structure and function (PolyPhen-2) suggests that this variant is likely to be disruptive. In summary, the available evidence is currently insufficient to determine the role of this variant in disease. Therefore, it has been classified as a Variant of Uncertain Significance.